The following is an entry in ClinVar:

NC_000017.11:g.(?_61847091)_(61847230_?)del

Gene: BRIP1 (BRCA1 interacting DNA helicase 1; minus strand). Cytogenetic location: 17q23.2.
Variant type: Deletion.
Identifiers: ClinVar variation 831855 (VCV000831855.5).

ClinVar aggregate classification (germline): Likely pathogenic (1 of 4 stars; one submission).

Conditions:
Fanconi anemia complementation group J. Also called: BRIP1-Related Fanconi Anemia. Identifiers: Orphanet 84, MedGen C1836860, MONDO:0012187, OMIM 609054.
Familial cancer of breast. Also called: hereditary breast carcinoma; BREAST CANCER, FAMILIAL; Hereditary breast cancer. Identifiers: Orphanet 227535, MedGen C0346153, MONDO:0016419, OMIM 114480. Disease mechanism: loss of function.

Submission:

Labcorp Genetics (formerly Invitae), Labcorp
Classification: Likely pathogenic for Familial cancer of breast; Fanconi anemia complementation group J. Last evaluated: 2022-04-21. Review status: criteria provided, single submitter. Criteria: Invitae Variant Classification Sherloc (09022015). Collection method: clinical testing. Allele origin: germline.
Comment: In summary, the currently available evidence indicates that the variant is pathogenic, but additional data are needed to prove that conclusively. Therefore, this variant has been classified as Likely Pathogenic. This variant disrupts the nuclear localization signal (NLS) of the BRIP1 protein, which is necessary for translocation to the nucleus (PMID: 19379763, 12569564). While functional studies have not been performed to directly test the effect of this variant on BRIP1 protein function, this suggests that disruption of this region of the protein is causative of disease. This variant is a gross deletion of the genomic region encompassing exon(s) 6 of the BRIP1 gene. This variant would be expected to be in-frame, preserving the integrity of the reading frame. This variant has not been reported in the literature in individuals affected with BRIP1-related conditions.

Literature cited by the submitters: PubMed 19379763; PubMed 12569564.